The following is an entry in ClinVar:

ClinVar aggregate classification (germline): Pathogenic. Review status: criteria provided, multiple submitters, no conflicts (2 of 4 stars). 4 submissions from 4 submitters: Pathogenic (2). 2 of the submissions do not count toward it. Last evaluated 2025-12-29.

Conditions:
Blepharophimosis-impaired intellectual development syndrome. Identifiers: Orphanet 637013, MedGen C5443984, MONDO:0859139, OMIM 619293.
Nicolaides-Baraitser syndrome (NCBRS). Also called: Intellectual disability-sparse hair-brachydactyly syndrome; SMARCA2-Related Nicolaides-Baraitser Syndrome. Identifiers: Orphanet 3051, MedGen C1303073, MONDO:0011053, OMIM 601358.

Submissions (4):

Rady Children's Institute for Genomic Medicine, Rady Children's Hospital San Diego
Classification: Pathogenic for Nicolaides-Baraitser syndrome. Last evaluated: 2025-12-29. Review status: criteria provided, single submitter. Criteria: ACMG Guidelines, 2015. Collection method: clinical testing. Allele origin: germline. Affected: yes.
Comment: The SMARCA2 gene is constrained against missense variation (Z-score= 4.68), and missense variants are a common mechanism of disease (HGMD, ClinVar database; PMID: 22366787). The c.2554G>A (p.Glu852Lys) variant affects a highly conserved amino acid and is predicted by multiple in silico tools to have a deleterious effect on protein function. This variant has been previously reported as a de novo or inherited heterozygous change in patients with features consistent with Nicolaides-Baraitser syndrome (PMID: 22366787, 23906836, 31031587, 32657847). A different amino acid change at the same residue (p.Glu852Gln) has been previously reported in affected individuals (PMID: 23929686, 34906496, 37500730). The c.2554G>A (p.Glu852Lys) variant is absent from the latest version of the gnomAD population database and thus is presumed to be rare. Based on the available evidence, c.2554G>A (p.Glu852Lys) is classified as Pathogenic.

GeneDx
Classification: Pathogenic. Last evaluated: 2017-05-24. Review status: criteria provided, single submitter. Criteria: GeneDx Variant Classification (06012015). Collection method: clinical testing. Allele origin: germline. Affected: yes.
Comment: The E852K variant in the SMARCA2 gene has been reported previously in two unrelated individuals with Nicolaides-Baraitser syndrome, for one individual the variant was paternally inherited and for the other individual the variant was de novo (Van Houdt et al., 2012; Wieczorek et al., 2013). The E852K variant is not observed in large population cohorts (Lek et al., 2016; 1000 Genomes Consortium et al., 2015; Exome Variant Server). The E852K variant is a non-conservative amino acid substitution, which is likely to impact secondary protein structure as these residues differ in polarity, charge, size and/or other properties. This substitution occurs at a position that is conserved across species. In silico analysis predicts this variant is probably damaging to the protein structure/function. We interpret E852K as a pathogenic variant.

Developmental and Behavioral Pediatrics, First Affiliated Hospital of Jilin University
Classification: Pathogenic for Blepharophimosis-impaired intellectual development syndrome. Review status: no assertion criteria provided. Collection method: clinical testing. Allele origin: de novo. Not counted in ClinVar's aggregate classification.

UniProtKB/Swiss-Prot
No classification provided. Review status: no classification provided. Collection method: not provided. Allele origin: not provided. Not counted in ClinVar's aggregate classification.

Literature cited by the submitters: PubMed 22366787 (cited by Rady Children's Institute for Genomic Medicine, Rady Children's Hospital San Diego); PubMed 23906836 (cited by Rady Children's Institute for Genomic Medicine, Rady Children's Hospital San Diego); PubMed 23929686 (cited by Rady Children's Institute for Genomic Medicine, Rady Children's Hospital San Diego); PubMed 31031587 (cited by Rady Children's Institute for Genomic Medicine, Rady Children's Hospital San Diego); PubMed 32657847 (cited by Rady Children's Institute for Genomic Medicine, Rady Children's Hospital San Diego); PubMed 34906496 (cited by Rady Children's Institute for Genomic Medicine, Rady Children's Hospital San Diego); PubMed 37500730 (cited by Rady Children's Institute for Genomic Medicine, Rady Children's Hospital San Diego).

NM_003070.5(SMARCA2):c.2554G>A (p.Glu852Lys)

Gene: SMARCA2 (SWI/SNF related BAF chromatin remodeling complex subunit ATPase 2; plus strand). Cytogenetic location: 9p24.3.
Variant type: single nucleotide variant.
Coding change: c.2554G>A on transcript NM_003070.5 (MANE Select); coding-DNA position 2554, G replaced by A.
Protein change: p.Glu852Lys; replaces glutamic acid 852 with lysine.
Molecular consequence: missense variant.
Genome position (GRCh38, 1-based): chr9:2,086,856, G>A. VCF-style: chr9-2086856-G-A. GRCh37 (hg19) VCF-style: chr9-2086856-G-A.
Other names: c.2554G>A, p.Glu852Lys (NM_001289396.2, NM_001289397.2, NM_139045.4); short protein forms E852K.
Identifiers: ClinVar variation 68762 (VCV000068762.30), dbSNP rs281875199, ClinGen allele CA219874.